The following is an entry in ClinVar:

ClinVar aggregate classification (germline): Uncertain significance (1 of 4 stars; one submission).

Submission:

Labcorp Genetics (formerly Invitae), Labcorp
Classification: Uncertain significance. Last evaluated: 2021-10-22. Review status: criteria provided, single submitter. Criteria: Invitae Variant Classification Sherloc (09022015). Collection method: clinical testing. Allele origin: germline.
Comment: This sequence change replaces histidine with arginine at codon 57 of the PEX3 protein (p.His57Arg). The histidine residue is highly conserved and there is a small physicochemical difference between histidine and arginine. This variant is not present in population databases (ExAC no frequency). This variant has not been reported in the literature in individuals affected with PEX3-related conditions. Algorithms developed to predict the effect of missense changes on protein structure and function are either unavailable or do not agree on the potential impact of this missense change (SIFT: "Tolerated"; PolyPhen-2: "Probably Damaging"; Align-GVGD: "Class C0"). In summary, the available evidence is currently insufficient to determine the role of this variant in disease. Therefore, it has been classified as a Variant of Uncertain Significance.

NM_003630.3(PEX3):c.170A>G (p.His57Arg)

Gene: PEX3 (peroxisomal biogenesis factor 3; plus strand). Cytogenetic location: 6q24.2.
Variant type: single nucleotide variant.
Coding change: c.170A>G on transcript NM_003630.3 (MANE Select); coding-DNA position 170, A replaced by G.
Protein change: p.His57Arg; replaces histidine 57 with arginine.
Molecular consequence: missense variant.
Genome position (GRCh38, 1-based): chr6:143,459,181, A>G. VCF-style: chr6-143459181-A-G. GRCh37 (hg19) VCF-style: chr6-143780318-A-G.
Other names: short protein forms H57R.
Identifiers: ClinVar variation 1388639 (VCV001388639.6), dbSNP rs2128745531, ClinGen allele CA365905352.